The following is an entry in ClinVar:

ClinVar aggregate classification (germline): Likely benign (1 of 4 stars; one submission).

Allele frequency attached by ClinVar (database versions not stated): gnomAD exomes below 0.00001.
gnomAD v4.1: 5 of 1,500,870 alleles (0.00033%); highest among the groups gnomAD compares: Non-Finnish European, 0.00035%; no homozygotes.

Submission:

CeGaT Center for Human Genetics Tuebingen
Classification: Likely benign. Last evaluated: 2023-07-01. Review status: criteria provided, single submitter. Criteria: CeGaT Center For Human Genetics Tuebingen Variant Classification Criteria Version 2. Collection method: clinical testing. Allele origin: germline. Affected: yes. Observed: 2 variant alleles.
Comment: ATXN2: BP4, BP7

NM_001372574.1(ATXN2):c.66G>A (p.Gln22=)

Genes: ATXN2 (ataxin 2; minus strand), LOC130008791 (ATAC-STARR-seq lymphoblastoid silent region 4872; plus strand). Cytogenetic location: 12q24.12.
Variant type: single nucleotide variant.
Coding change: c.66G>A on transcript NM_001372574.1 (MANE Select); coding-DNA position 66, G replaced by A.
Protein change: p.Gln22=; no amino-acid change (glutamine 22 retained).
Molecular consequence: synonymous variant. On other transcripts: non-coding transcript variant (1), intron variant (2).
Genome position (GRCh38, 1-based): chr12:111,598,969, C>T on the plus strand (G>A on the coding strand, the complement: ATXN2 is on the minus strand). VCF-style: chr12-111598969-C-T. GRCh37 (hg19) VCF-style: chr12-112036773-C-T.
Other names: c.66G>A, p.Gln22= (NM_002973.4); c.-28+606G>A (NM_001310123.1); c.-65+606G>A (NM_001310121.1).
Identifiers: ClinVar variation 2643325 (VCV002643325.24), dbSNP rs1231841593, ClinGen allele CA481873266.